The following is an entry in ClinVar:

ClinVar aggregate classification (germline): Uncertain significance (1 of 4 stars; one submission).

Conditions:
Ehlers-Danlos syndrome, classic type, 1 (EDSCL1). Also called: EHLERS-DANLOS SYNDROME, GRAVIS TYPE; EHLERS-DANLOS SYNDROME, SEVERE CLASSIC TYPE; Ehlers-Danlos syndrome, type 1; EDS I; Ehlers-Danlos Syndrome, Classic Type, COL5A1-Related. Identifiers: MedGen C0268335, MONDO:0019567, OMIM 130000.
Osteogenesis imperfecta type I (OI1). Also called: OI, TYPE I; OSTEOGENESIS IMPERFECTA TARDA; OSTEOGENESIS IMPERFECTA WITH BLUE SCLERAE; Osteogenesis imperfecta type 1; Lobstein's Disease; Lobstein disease. Identifiers: Orphanet 216796, Orphanet 666, MedGen C0023931, MONDO:0008146, OMIM 166200. Disease mechanism: loss of function.

Submission:

Labcorp Genetics (formerly Invitae), Labcorp
Classification: Uncertain significance for Osteogenesis imperfecta type I; Ehlers-Danlos syndrome, classic type, 1. Last evaluated: 2022-09-10. Review status: criteria provided, single submitter. Criteria: Invitae Variant Classification Sherloc (09022015). Collection method: clinical testing. Allele origin: germline.
Comment: In summary, the available evidence is currently insufficient to determine the role of this variant in disease. Therefore, it has been classified as a Variant of Uncertain Significance. Algorithms developed to predict the effect of sequence changes on RNA splicing suggest that this variant may create or strengthen a splice site. This variant has not been reported in the literature in individuals affected with COL1A2-related conditions. This variant is not present in population databases (gnomAD no frequency). This sequence change falls in intron 29 of the COL1A2 gene. It does not directly change the encoded amino acid sequence of the COL1A2 protein.

NM_000089.4(COL1A2):c.1719+19A>G

Gene: COL1A2 (collagen type I alpha 2 chain; plus strand). Cytogenetic location: 7q21.3.
Variant type: single nucleotide variant.
Coding change: c.1719+19A>G on transcript NM_000089.4 (MANE Select); 19 bases into the intron after coding-DNA position 1719, A replaced by G.
Molecular consequence: intron variant.
Genome position (GRCh38, 1-based): chr7:94,414,294, A>G. VCF-style: chr7-94414294-A-G. GRCh37 (hg19) VCF-style: chr7-94043606-A-G.
Identifiers: ClinVar variation 2029935 (VCV002029935.4), dbSNP rs2484716884, ClinGen allele CA2580078014.
Genomic context (GRCh38, chr7:94,414,294, plus strand): 5'-CCCTCAGGTCCCGCTGGTGAAGTTGGCAAACCAGGAGAAAGGGTGAGTAAAACAAGTAAT[A>G]GTAAGTAGTAACTACTAAACTTGAGAATTTCCCCCTGTTTAATACCCCACTGCTATGCAA-3'